The following is an entry in ClinVar:

NM_001845.6(COL4A1):c.989C>T (p.Pro330Leu)

Gene: COL4A1 (collagen type IV alpha 1 chain; minus strand). Cytogenetic location: 13q34.
Variant type: single nucleotide variant.
Coding change: c.989C>T on transcript NM_001845.6 (MANE Select); coding-DNA position 989, C replaced by T.
Protein change: p.Pro330Leu; replaces proline 330 with leucine.
Molecular consequence: missense variant.
Genome position (GRCh38, 1-based): chr13:110,203,576, G>A on the plus strand (C>T on the coding strand, the complement: COL4A1 is on the minus strand). VCF-style: chr13-110203576-G-A. GRCh37 (hg19) VCF-style: chr13-110855923-G-A.
Other names: c.989C>T, p.Pro330Leu (NM_001303110.2); short protein forms P330L.
Identifiers: ClinVar variation 1906305 (VCV001906305.5), dbSNP rs776465170, ClinGen allele CA7048175.
Genomic context (GRCh38, chr13:110,203,576, plus strand): 5'-CCTTCCTCCCCCAGCGCTCTCACAGACCCAGGGACAGCACTCTTACTCACAATTCCAGGT[G>A]GGCCAGGAGGACCTGCTTCACCCTTTTCTCCCTACAAAAGAAAAAATAACTTTCCTTGCA-3'
Protein context (NP_001836.3, residues 320-340): GEKGEAGPPG[Pro330Leu]PGIVIGTGPL

ClinVar aggregate classification (germline): Uncertain significance (1 of 4 stars; one submission).

Allele frequency attached by ClinVar (database versions not stated): gnomAD exomes below 0.00001; ExAC 0.00001.
gnomAD v4.1: 6 of 1,613,802 alleles (0.00037%); highest among the groups gnomAD compares: South Asian, 0.0011%; no homozygotes.

Submission:

Labcorp Genetics (formerly Invitae), Labcorp
Classification: Uncertain significance. Last evaluated: 2024-12-10. Review status: criteria provided, single submitter. Criteria: Invitae Variant Classification Sherloc (09022015). Collection method: clinical testing. Allele origin: germline.
Comment: This sequence change replaces proline, which is neutral and non-polar, with leucine, which is neutral and non-polar, at codon 330 of the COL4A1 protein (p.Pro330Leu). This variant is present in population databases (rs776465170, gnomAD 0.003%). This variant has not been reported in the literature in individuals affected with COL4A1-related conditions. ClinVar contains an entry for this variant (Variation ID: 1906305). Invitae Evidence Modeling of protein sequence and biophysical properties (such as structural, functional, and spatial information, amino acid conservation, physicochemical variation, residue mobility, and thermodynamic stability) indicates that this missense variant is not expected to disrupt COL4A1 protein function with a negative predictive value of 95%. In summary, the available evidence is currently insufficient to determine the role of this variant in disease. Therefore, it has been classified as a Variant of Uncertain Significance.